The following is an entry in ClinVar:

ClinVar aggregate classification (germline): Pathogenic (1 of 4 stars; one submission).

Submission:

GeneDx
Classification: Pathogenic. Last evaluated: 2026-04-08. Review status: criteria provided, single submitter. Criteria: GeneDx Variant Classification Process June 2021. Collection method: clinical testing. Allele origin: germline.
Comment: Frameshift variant predicted to result in protein truncation or nonsense mediated decay in a gene for which loss of function is a known mechanism of disease; Not observed at significant frequency in large population cohorts (gnomAD); This variant is associated with the following publications: (PMID: 23913538)

NM_001042492.3(NF1):c.6793_6797del (p.Lys2265fs)

Gene: NF1 (neurofibromin 1; plus strand). Cytogenetic location: 17q11.2.
Variant type: Deletion.
Coding change: c.6793_6797del on transcript NM_001042492.3 (MANE Select); coding-DNA positions 6793 to 6797, 5 bases deleted (AAGCA; older notation c.6793_6797delAAGCA).
Protein change: p.Lys2265fs; shifts the reading frame from lysine 2265.
Molecular consequence: frameshift variant.
Genome position (GRCh38, 1-based): chr17:31,338,113-31,338,117, AAGCA deleted; deleting any 5 consecutive bases within chr17:31,338,112-31,338,117 gives the same sequence; the c. name uses the placement nearest the transcript's 3' end. VCF-style (leftmost placement, unchanged base first): chr17-31338111-TAAAGC-T. GRCh37 (hg19) VCF-style: chr17-29665129-TAAAGC-T.
Other names: c.6730_6734delAAGCA, p.Lys2244Aspfs (NM_000267.3); c.6730_6734del, p.Lys2244fs (NM_000267.4); short protein forms K2244fs, K2265fs.
Identifiers: ClinVar variation 5018346 (VCV005018346.1).